The following is an entry in ClinVar:

NM_001130145.3(YAP1):c.313T>C (p.Ser105Pro)

Gene: YAP1 (Yes1 associated transcriptional regulator; plus strand). Cytogenetic location: 11q22.1.
Variant type: single nucleotide variant.
Coding change: c.313T>C on transcript NM_001130145.3 (MANE Select); coding-DNA position 313, T replaced by C.
Protein change: p.Ser105Pro; replaces serine 105 with proline.
Molecular consequence: missense variant.
Genome position (GRCh38, 1-based): chr11:102,111,161, T>C. VCF-style: chr11-102111161-T-C. GRCh37 (hg19) VCF-style: chr11-101981892-T-C.
Other names: c.313T>C, p.Ser105Pro (NM_001195044.2, NM_001282097.2, NM_001282098.2 and 4 more transcripts); short protein forms S105P.
Identifiers: ClinVar variation 2634825 (VCV002634825.5), dbSNP rs1391431049, ClinGen allele CA382491082.

ClinVar aggregate classification (germline): Uncertain significance. Review status: criteria provided, multiple submitters, no conflicts (2 of 4 stars). 3 submissions from 3 submitters: Uncertain significance (3). Last evaluated 2023-09-22.

Conditions:
YAP1-related disorder. Also called: YAP1-related condition.

Allele frequency attached by ClinVar (database versions not stated): gnomAD 0.00002; TOPMed 0.00002.
gnomAD v4.1: 26 of 1,612,178 alleles (0.0016%); highest among the groups gnomAD compares: Middle Eastern, 0.033%; no homozygotes.

Submissions (3):

Ambry Genetics
Classification: Uncertain significance. Last evaluated: 2023-09-22. Review status: criteria provided, single submitter. Criteria: Ambry Variant Classification Scheme 2023. Collection method: clinical testing. Allele origin: germline.

PreventionGenetics, part of Exact Sciences
Classification: Uncertain significance for YAP1-related condition. Last evaluated: 2023-06-26. Review status: criteria provided, single submitter. Criteria: ACMG Guidelines, 2015. Collection method: clinical testing. Allele origin: germline.
Comment: The YAP1 c.313T>C variant is predicted to result in the amino acid substitution p.Ser105Pro. To our knowledge, this variant has not been reported in the literature. This variant is reported in 0.0033% of alleles in individuals of South Asian descent in gnomAD. At this time, the clinical significance of this variant is uncertain due to the absence of conclusive functional and genetic evidence.

Labcorp Genetics (formerly Invitae), Labcorp
Classification: Uncertain significance. Last evaluated: 2023-01-08. Review status: criteria provided, single submitter. Criteria: Invitae Variant Classification Sherloc (09022015). Collection method: clinical testing. Allele origin: germline.
Comment: This variant is present in population databases (no rsID available, gnomAD 0.003%). In summary, the available evidence is currently insufficient to determine the role of this variant in disease. Therefore, it has been classified as a Variant of Uncertain Significance. Advanced modeling of protein sequence and biophysical properties (such as structural, functional, and spatial information, amino acid conservation, physicochemical variation, residue mobility, and thermodynamic stability) performed at Invitae indicates that this missense variant is expected to disrupt YAP1 protein function. This variant has not been reported in the literature in individuals affected with YAP1-related conditions. This sequence change replaces serine, which is neutral and polar, with proline, which is neutral and non-polar, at codon 105 of the YAP1 protein (p.Ser105Pro).